The following is an entry in ClinVar:

ClinVar aggregate classification (germline): Uncertain significance. Review status: criteria provided, multiple submitters, no conflicts (2 of 4 stars). 4 submissions from 4 submitters: Uncertain significance (4). Last evaluated 2025-02-09.

Conditions:
Hereditary cancer-predisposing syndrome. Also called: Hereditary Cancer Syndrome; Neoplastic Syndromes, Hereditary; Tumor predisposition; Hereditary neoplastic syndrome. Identifiers: Orphanet 140162, MedGen C0027672, MeSH D009386, MONDO:0015356.
Familial cancer of breast. Also called: Hereditary breast cancer; hereditary breast carcinoma; BREAST CANCER, FAMILIAL. Identifiers: Orphanet 227535, MedGen C0346153, MONDO:0016419, OMIM 114480. Disease mechanism: loss of function.
Fanconi anemia complementation group N. Also called: PALB2-Related Fanconi Anemia. Identifiers: Orphanet 84, MedGen C1835817, MONDO:0012565, OMIM 610832. Disease mechanism: loss of function.

Allele frequency attached by ClinVar (database versions not stated): gnomAD exomes 0.00001.
gnomAD v4.1: 3 of 1,614,242 alleles (0.00019%); highest among the groups gnomAD compares: Non-Finnish European, 0.00025%; no homozygotes.

Submissions (4):

Labcorp Genetics (formerly Invitae), Labcorp
Classification: Uncertain significance for Familial cancer of breast. Last evaluated: 2025-02-09. Review status: criteria provided, single submitter. Criteria: Invitae Variant Classification Sherloc (09022015). Collection method: clinical testing. Allele origin: germline.
Comment: This sequence change replaces glutamine, which is neutral and polar, with arginine, which is basic and polar, at codon 472 of the PALB2 protein (p.Gln472Arg). This variant is not present in population databases (gnomAD no frequency). This variant has not been reported in the literature in individuals affected with PALB2-related conditions. ClinVar contains an entry for this variant (Variation ID: 232322). Invitae Evidence Modeling of protein sequence and biophysical properties (such as structural, functional, and spatial information, amino acid conservation, physicochemical variation, residue mobility, and thermodynamic stability) indicates that this missense variant is not expected to disrupt PALB2 protein function with a negative predictive value of 80%. In summary, the available evidence is currently insufficient to determine the role of this variant in disease. Therefore, it has been classified as a Variant of Uncertain Significance.

Color Diagnostics, LLC DBA Color Health
Classification: Uncertain significance for Hereditary cancer-predisposing syndrome. Last evaluated: 2019-10-08. Review status: criteria provided, single submitter. Criteria: ACMG Guidelines, 2015. Collection method: clinical testing. Allele origin: germline.
Comment: This missense variant replaces glutamine with arginine at codon 472 of the PALB2 protein. Computational prediction tool suggests that this variant may not impact protein structure and function (internally defined REVEL score threshold ≤0.5, PMID: 27666373). Splice site prediction tools suggest that this variant may not impact RNA splicing. To our knowledge, functional studies have not been performed for this variant. This variant has been reported in an individual affected with breast cancer before age 50 and multiple familial cases of breast cancer (PMID: 26898890). This variant has not been identified in the general population by the Genome Aggregation Database (gnomAD). The available evidence is insufficient to determine the role of this variant in disease conclusively. Therefore, this variant is classified as a Variant of Uncertain Significance.

Illumina Laboratory Services, Illumina
Classification: Uncertain significance for Fanconi anemia complementation group N. Last evaluated: 2018-01-13. Review status: criteria provided, single submitter. Criteria: ICSL Variant Classification Criteria 13 December 2019. Collection method: clinical testing. Allele origin: germline.

Ambry Genetics
Classification: Uncertain significance for Hereditary cancer-predisposing syndrome. Last evaluated: 2015-07-10. Review status: criteria provided, single submitter. Criteria: Ambry Variant Classification Scheme 2023. Collection method: clinical testing. Allele origin: germline.
Comment: The p.Q472R variant (also known as c.1415A>G), located in coding exon 4 of the PALB2 gene, results from an A to G substitution at nucleotide position 1415. The glutamine at codon 472 is replaced by arginine, an amino acid with highly similar properties. This variant was not reported in population based cohorts in the following databases: Database of Single Nucleotide Polymorphisms (dbSNP), NHLBI Exome Sequencing Project (ESP), and 1000 Genomes Project. In the ESP, this variant was not observed in 6497 samples (12994 alleles) with coverage at this position. To date, this alteration has been detected with an allele frequency of approximately 0.001% (greater than 70000 alleles tested) in our clinical cohort. This amino acid position is not well conserved in available vertebrate species. In addition, this alteration is predicted to be tolerated by in silico analysis. Since supporting evidence is limited at this time, the clinical significance of this variant remains unclear.

NM_024675.4(PALB2):c.1415A>G (p.Gln472Arg)

Gene: PALB2 (partner and localizer of BRCA2; minus strand). Cytogenetic location: 16p12.2.
Variant type: single nucleotide variant.
Coding change: c.1415A>G on transcript NM_024675.4 (MANE Select); coding-DNA position 1415, A replaced by G.
Protein change: p.Gln472Arg; replaces glutamine 472 with arginine.
Molecular consequence: missense variant.
Genome position (GRCh38, 1-based): chr16:23,635,131, T>C on the plus strand (A>G on the coding strand, the complement: PALB2 is on the minus strand). VCF-style: chr16-23635131-T-C. GRCh37 (hg19) VCF-style: chr16-23646452-T-C.
Other names: short protein forms Q472R.
Identifiers: ClinVar variation 232322 (VCV000232322.22), dbSNP rs867817029, ClinGen allele CA10580010.
Genomic context (GRCh38, chr16:23,635,131, plus strand): 5'-CCAGCGGGAGAGCTGACTTTAGTTAATGAGAGAAGTTTCTGAGAGGTTCTTGAACTTGGT[T>C]GTCCTGTGCATGTGCCAGACATCCTAATTTCACTTTGGTCAGTTTCCTCATTGGAAAGGT-3'
Protein context (NP_078951.2, residues 462-482): EIRMSGTCTG[Gln472Arg]PSSRTSQKLL